The following is an entry in ClinVar:

NM_144498.4(OSBPL2):c.792T>G (p.His264Gln)

Gene: OSBPL2 (oxysterol binding protein like 2; plus strand). Cytogenetic location: 20q13.33.
Variant type: single nucleotide variant.
Coding change: c.792T>G on transcript NM_144498.4 (MANE Select); coding-DNA position 792, T replaced by G.
Protein change: p.His264Gln; replaces histidine 264 with glutamine.
Molecular consequence: missense variant.
Genome position (GRCh38, 1-based): chr20:62,281,799, T>G. VCF-style: chr20-62281799-T-G. GRCh37 (hg19) VCF-style: chr20-60856855-T-G.
Other names: c.516T>G, p.His172Gln (NM_001278649.3, NM_001363878.2); c.756T>G, p.His252Gln (NM_014835.5); short protein forms H252Q, H264Q, H172Q.
Identifiers: ClinVar variation 667056 (VCV000667056.16), dbSNP rs146042452, ClinGen allele CA9938571.

ClinVar aggregate classification (germline): Benign/Likely benign. Review status: criteria provided, multiple submitters, no conflicts (2 of 4 stars). 5 submissions from 5 submitters: Benign (3); Likely benign (1). 1 of the submissions does not count toward it. Last evaluated 2025-12-25.

Conditions:
OSBPL2-related disorder. Also called: OSBPL2-related condition.

Allele frequency attached by ClinVar (database versions not stated): gnomAD exomes 0.00031 and 0.00076; ExAC 0.00083; 1000 Genomes Project 0.00260; gnomAD 0.00275 and 0.00299; TOPMed 0.00306; ESP Exome Variant Server 0.00361; 1000 Genomes Project 30x 0.00390.
gnomAD v4.1: 863 of 1,608,922 alleles (0.054%); highest among the groups gnomAD compares: African/African-American, 0.96%; 4 homozygotes.

Submissions (5):

Labcorp Genetics (formerly Invitae), Labcorp
Classification: Benign. Last evaluated: 2025-12-25. Review status: criteria provided, single submitter. Criteria: Invitae Variant Classification Sherloc (09022015). Collection method: clinical testing. Allele origin: germline.

Blueprint Genetics
Classification: Likely benign. Last evaluated: 2024-09-13. Review status: criteria provided, single submitter. Criteria: ACMG Guidelines, 2015. Collection method: clinical testing. Allele origin: germline.

GeneDx
Classification: Benign. Last evaluated: 2019-12-24. Review status: criteria provided, single submitter. Criteria: GeneDx Variant Classification Process June 2021. Collection method: clinical testing. Allele origin: germline. Affected: yes.

Laboratory for Molecular Medicine, Mass General Brigham Personalized Medicine
Classification: Benign. Last evaluated: 2017-08-23. Review status: criteria provided, single submitter. Criteria: LMM Criteria. Collection method: clinical testing. Allele origin: germline. Observed: 1 variant allele.
Comment: p.His264Gln in exon 9 of OSBPL2: This variant is not expected to have clinical s ignificance because it has been identified in 0.89% (90/10148) of African chromo somes by the Exome Aggregation Consortium (ExAC; dbSNP rs146042452).

PreventionGenetics, part of Exact Sciences
Classification: Benign for OSBPL2-related condition. Last evaluated: 2020-12-14. Review status: no assertion criteria provided. Collection method: clinical testing. Allele origin: germline. Not counted in ClinVar's aggregate classification.
Comment: This variant is classified as benign based on ACMG/AMP sequence variant interpretation guidelines (Richards et al. 2015 PMID: 25741868, with internal and published modifications).